The following is an entry in ClinVar:

ClinVar aggregate classification (germline): Likely pathogenic. Review status: reviewed by expert panel (3 of 4 stars). 7 submissions from 7 submitters: Likely pathogenic (1). 6 of the submissions do not count toward it. Last evaluated 2024-07-21.

Conditions:
Glycogen storage disease, type II (IOPD). Also called: POMPE DISEASE, INFANTILE-ONSET; Glucosidase acid-1,4-alpha deficiency; GLYCOGEN STORAGE DISEASE II, INFANTILE-ONSET; ACID ALPHA-GLUCOSIDASE DEFICIENCY, INFANTILE-ONSET; CARDIOMEGALIA GLYCOGENICA DIFFUSA; GLYCOGENOSIS, GENERALIZED, CARDIAC FORM. Identifiers: Orphanet 365, MedGen C0017921, MONDO:0009290, OMIM 232300.

Allele frequency attached by ClinVar (database versions not stated): gnomAD 0.00001; TOPMed 0.00001; gnomAD exomes 0.00002; ExAC 0.00003.
gnomAD v4.1: 9 of 1,610,626 alleles (0.00056%); highest among the groups gnomAD compares: East Asian, 0.018%; no homozygotes.

Submissions (7):

ClinGen Lysosomal Storage Disorder Variant Curation Expert Panel
Classification: Likely pathogenic for Glycogen storage disease, type II. Last evaluated: 2024-07-21. Review status: reviewed by expert panel. Criteria: clingen_lsd_acmg_specifications_v2-1. Collection method: curation. Allele origin: germline. Inheritance: Autosomal recessive inheritance.
Comment: The NM_000152.5:c.1958C>A variant in GAA is a missense variant predicted to cause substitution of threonine by asparagine at amino acid 653 (p.Thr653Asn). At least three probands with Pompe disease have been reported with this variant (PMIDs 21232767, 24513544, clinical laboratory data), two with documented deficiency of GAA activity (PMID: 23884227, 25612604) (PP4_Moderate). One patient is compound heterozygous for (c.1958C>A p.Thr653Asn) and (c.752 C>T; 761 C>T, p.Ser251Leu; Ser254Leu, P/LP haplotype based on classification by the ClinGen Lysosomal Diseases VCEP); phase confirmed by parental testing (1 point, PMID: 21232767). Another patient was identified on newborn screen, currently asymptomatic, therefore data not included, compound heterozygous for the variant and c.424_440del17 (PMID: 24513544). The allelic data from this patient may be used in the classification of c.1551 and is not include here to avoid circular logic (PMID: 29995633). Total 1 point (PM3). The highest population minor allele frequency in gnomAD v2.1.1 is 0.0002548 (5/19624 alleles) in the East Asian population, which is lower than the ClinGen LD VCEP's threshold (<0.001) for meeting PM2_Supporting (PM2_Supporting). The computational predictor REVEL gives a score of 0.748 which is above the threshold of 0.7, evidence that correlates with impact to GAA function (PP3). There is a ClinVar entry for this variant (Variation ID: 972798). In summary, this variant meets the criteria to be classified as Likely Pathogenic for Pompe disease. GAA-specific ACMG/AMP criteria met, based on the specifications of the ClinGen Lysosomal Diseases Variant Curation Expert Panel (Specifications Version 2.0): PM3, PP4_Moderate, PM2_Supporting, PP3. (Classification approved by the ClinGen Lysosomal Diseases Expert panel on July 21, 2024).

Genomenon, Inc
Classification: Uncertain significance for Glycogen storage disease, type II. Last evaluated: 2026-07-01. Review status: criteria provided, single submitter. Criteria: Genomenon Sequence Variant Interpretation Standards - Updated. Collection method: curation. Allele origin: germline. Affected: yes. Not counted in ClinVar's aggregate classification.
Comment: GAA p.Thr653Asn (c.1958C>A) is a missense variant that changes the amino acid at codon 653 from Threonine to Asparagine. This variant has been observed in at least one proband with a GAA-related disorder in the compound heterozygous and/or homozygous state (PMID:21232767;29995633;34995642). It is absent or not present at a significant frequency in gnomAD. In silico models predict that this variant is possibly or probably damaging. In conclusion, we classify GAA p.Thr653Asn (c.1958C>A) as a variant of uncertain significance.

Natera, Inc.
Classification: Likely pathogenic for Glycogen storage disease type II. Last evaluated: 2025-12-11. Review status: criteria provided, single submitter. Criteria: Natera Variant Classification Schema (03/2026). Collection method: clinical testing. Allele origin: germline. Not counted in ClinVar's aggregate classification.
Comment: The c.1958C>A variant in GAA is a missense variant predicted to cause substitution of threonine to asparagine at amino acid 653. This variant is rare in the general population with a frequency below the threshold expected for the associated phenotype(s). This variant has been observed in one or more individuals affected with the associated recessive disease, as either homozygous or compound heterozygous with a second variant (PMID: 34995642, 24513544, 21232767). Computational prediction algorithms indicate this variant is likely to affect gene or protein function. Given the available evidence, this variant is classified as Likely Pathogenic.

Labcorp Genetics (formerly Invitae), Labcorp
Classification: Pathogenic for Glycogen storage disease, type II. Last evaluated: 2025-09-03. Review status: criteria provided, single submitter. Criteria: Invitae Variant Classification Sherloc (09022015). Collection method: clinical testing. Allele origin: germline. Not counted in ClinVar's aggregate classification.
Comment: This sequence change replaces threonine, which is neutral and polar, with asparagine, which is neutral and polar, at codon 653 of the GAA protein (p.Thr653Asn). This variant is present in population databases (rs763456921, gnomAD 0.02%). This missense change has been observed in individual(s) with Pompe disease (PMID: 21232767, 24513544). In at least one individual the data is consistent with being in trans (on the opposite chromosome) from a pathogenic variant. ClinVar contains an entry for this variant (Variation ID: 972798). Invitae Evidence Modeling of protein sequence and biophysical properties (such as structural, functional, and spatial information, amino acid conservation, physicochemical variation, residue mobility, and thermodynamic stability) indicates that this missense variant is expected to disrupt GAA protein function with a positive predictive value of 95%. For these reasons, this variant has been classified as Pathogenic.

Fulgent Genetics
Classification: Likely pathogenic for Glycogen storage disease, type II. Last evaluated: 2024-03-26. Review status: criteria provided, single submitter. Criteria: ACMG Guidelines, 2015. Collection method: clinical testing. Allele origin: germline. Not counted in ClinVar's aggregate classification.

Broad Center for Mendelian Genomics, Broad Institute of MIT and Harvard
Classification: Uncertain significance for Glycogen storage disease, type II. Last evaluated: 2020-01-15. Review status: criteria provided, single submitter. Criteria: ACMG Guidelines, 2015. Collection method: curation. Allele origin: germline. Inheritance: Autosomal recessive inheritance. Not counted in ClinVar's aggregate classification.
Comment: The p.Thr653Asn variant in GAA has been reported in three individuals with glycogen storage disease II (PMID: 29995633, 21232767, 24513544) and has been identified in 0.025% (5/19624) of East Asian chromosomes by the Genome Aggregation Database (gnomAD; dbSNP rs763456921). Although this variant has been seen in the general population, its frequency is low enough to be consistent with a recessive carrier frequency. Computational prediction tools and conservation analyses suggest that this variant may impact the protein, though this information is not predictive enough to determine pathogenicity. The phenotype of an individual heterozygous for this variant is highly specific for glycogen storage disease II based on GAA enzyme activity in fibroblasts and lymphocytes being <1% of wild type, consistent with disease (PMID: 21232767, 24513544). This variant has been reported in combination with reported pathogenic and likely pathogenic variants and in individuals with glycogen storage disease II (VariationID: 555986; PMID: 21232767, 24513544, 29995633). In summary, while there is some suspicion for a pathogenic role, the clinical significance of this variant is uncertain. ACMG/AMP Criteria applied: PM2, PP3, PP4 (Richards 2015).

Juno Genomics, Hangzhou Juno Genomics, Inc
Classification: Likely pathogenic for Glycogen storage disease, type II. Review status: criteria provided, single submitter. Criteria: ACMG Guidelines, 2015. Collection method: clinical testing. Allele origin: germline. Not counted in ClinVar's aggregate classification.
Comment: Absent from controls (or at extremely low frequency if recessive) in Genome Aggregation Database.;Multiple lines of computational evidence support a deleterious effect on the gene or gene product.;For recessive disorders, detected in trans with a pathogenic variant.

Literature cited by the submitters: PubMed 21232767 (cited by 4 submitters); PubMed 29995633 (cited by Genomenon, Inc); PubMed 34995642 (cited by Genomenon, Inc and Natera, Inc.); PubMed 24513544 (cited by 3 submitters).

NM_000152.5(GAA):c.1958C>A (p.Thr653Asn)

Gene: GAA (alpha glucosidase; plus strand). Cytogenetic location: 17q25.3.
Variant type: single nucleotide variant.
Coding change: c.1958C>A on transcript NM_000152.5 (MANE Select); coding-DNA position 1958, C replaced by A.
Protein change: p.Thr653Asn; replaces threonine 653 with asparagine.
Molecular consequence: missense variant.
Genome position (GRCh38, 1-based): chr17:80,112,945, C>A. VCF-style: chr17-80112945-C-A. GRCh37 (hg19) VCF-style: chr17-78086744-C-A.
Other names: NM_000152.5(GAA):c.1958C>A; p.Thr653Asn; c.1958C>A, p.Thr653Asn (NM_001079803.3, NM_001079804.3); c.1958C>A (NM_000152.4); short protein forms T653N.
Identifiers: ClinVar variation 972798 (VCV000972798.19), dbSNP rs763456921, ClinGen allele CA8815557.